The following is an entry in ClinVar:

ClinVar aggregate classification (germline): Conflicting classifications of pathogenicity. Review status: criteria provided, conflicting classifications (1 of 4 stars). 7 submissions from 7 submitters: Pathogenic (1); Likely pathogenic (4); Uncertain significance (1). 1 of the submissions does not count toward it. Last evaluated 2025-05-01.

Conditions:
COLQ-related disorder. Also called: COLQ-related condition.
Congenital myasthenic syndrome 5. Identifiers: Orphanet 590, MedGen C1864233, MONDO:0011281, OMIM 603034.

Allele frequency attached by ClinVar (database versions not stated): TOPMed 0.00002; gnomAD 0.00003; ESP Exome Variant Server 0.00008.
gnomAD v4.1: 37 of 1,613,960 alleles (0.0023%); highest among the groups gnomAD compares: Non-Finnish European, 0.003%; no homozygotes.

Submissions (7):

Labcorp Genetics (formerly Invitae), Labcorp
Classification: Pathogenic for Congenital myasthenic syndrome 5. Last evaluated: 2025-05-01. Review status: criteria provided, single submitter. Criteria: Invitae Variant Classification Sherloc (09022015). Collection method: clinical testing. Allele origin: germline.
Comment: This sequence change replaces threonine, which is neutral and polar, with alanine, which is neutral and non-polar, at codon 441 of the COLQ protein (p.Thr441Ala). This variant is present in population databases (rs375215281, gnomAD 0.006%). This missense change has been observed in individuals with congenital myasthenic syndrome (PMID: 15248101, 18180250, 22678886). It has also been observed to segregate with disease in related individuals. ClinVar contains an entry for this variant (Variation ID: 447217). Invitae Evidence Modeling of protein sequence and biophysical properties (such as structural, functional, and spatial information, amino acid conservation, physicochemical variation, residue mobility, and thermodynamic stability) indicates that this missense variant is not expected to disrupt COLQ protein function with a negative predictive value of 80%. For these reasons, this variant has been classified as Pathogenic.

Baylor Genetics
Classification: Likely pathogenic for Congenital myasthenic syndrome 5. Last evaluated: 2023-10-31. Review status: criteria provided, single submitter. Criteria: ACMG Guidelines, 2015. Collection method: clinical testing. Allele origin: unknown.

GeneDx
Classification: Uncertain significance. Last evaluated: 2023-01-20. Review status: criteria provided, single submitter. Criteria: GeneDx Variant Classification Process June 2021. Collection method: clinical testing. Allele origin: germline. Affected: yes.
Comment: Reported with a second COLQ variant, phase unknown, in a patient with ptosis, pain, and muscle weakness (Wargon et al., 2012); In silico analysis supports that this missense variant does not alter protein structure/function; This variant is associated with the following publications: (PMID: 31589614, 31773638, 32528171, 18180250, 34553317, 15248101, 22088788)

MGZ Medical Genetics Center
Classification: Likely pathogenic for Congenital myasthenic syndrome 5. Last evaluated: 2022-05-30. Review status: criteria provided, single submitter. Criteria: ACMG Guidelines, 2015. Collection method: clinical testing. Allele origin: germline. Affected: yes. Observed: 1 variant allele.
Comment: ACMG criteria applied: PP1_STR, PM3, PM2_SUP, PP3

Revvity Omics, Revvity
Classification: Likely pathogenic for Congenital myasthenic syndrome 5. Last evaluated: 2020-02-06. Review status: criteria provided, single submitter. Criteria: ACMG Guidelines, 2015. Collection method: clinical testing. Allele origin: germline.

Athena Diagnostics
Classification: Likely pathogenic. Last evaluated: 2016-11-04. Review status: criteria provided, single submitter. Criteria: Athena Diagnostics Criteria. Collection method: clinical testing. Allele origin: germline.

PreventionGenetics, part of Exact Sciences
Classification: Likely pathogenic for COLQ-related condition. Last evaluated: 2024-06-24. Review status: no assertion criteria provided. Collection method: clinical testing. Allele origin: germline. Not counted in ClinVar's aggregate classification.
Comment: The COLQ c.1321A>G variant is predicted to result in the amino acid substitution p.Thr441Ala. This variant has been reported to be causative for myasthenic syndrome (Muller et al 2004. PubMed ID: 15248101; Mihaylova et al. 2008 PubMed ID: 18180250; Tables S2a & S2b, Abicht et al. 2012. PubMed ID: 22678886). This variant is reported in 0.0054% of alleles in individuals of European (Non-Finnish) descent in gnomAD. This variant is interpreted as likely pathogenic.

Literature cited by the submitters: PubMed 15248101 (cited by Labcorp Genetics (formerly Invitae), Labcorp and Athena Diagnostics); PubMed 18180250 (cited by Labcorp Genetics (formerly Invitae), Labcorp and Athena Diagnostics); PubMed 22678886 (cited by Labcorp Genetics (formerly Invitae), Labcorp); PubMed 22088788 (cited by Athena Diagnostics).

NM_005677.4(COLQ):c.1321A>G (p.Thr441Ala)

Gene: COLQ (collagen like tail subunit of asymmetric acetylcholinesterase; minus strand). Cytogenetic location: 3p25.1.
Variant type: single nucleotide variant.
Coding change: c.1321A>G on transcript NM_005677.4 (MANE Select); coding-DNA position 1321, A replaced by G.
Protein change: p.Thr441Ala; replaces threonine 441 with alanine.
Molecular consequence: missense variant.
Genome position (GRCh38, 1-based): chr3:15,451,691, T>C on the plus strand (A>G on the coding strand, the complement: COLQ is on the minus strand). VCF-style: chr3-15451691-T-C. GRCh37 (hg19) VCF-style: chr3-15493198-T-C.
Other names: c.1291A>G, p.Thr431Ala (NM_080538.2); c.1219A>G, p.Thr407Ala (NM_080539.4); short protein forms T441A, T407A, T431A.
Identifiers: ClinVar variation 447217 (VCV000447217.19), dbSNP rs375215281, ClinGen allele CA2275783.
Genomic context (GRCh38, chr3:15,451,691, plus strand): 5'-CTCCTCACGGCCCTCAGGTGAAGTAGCGGCAGGGCGTGGAGTCGATGTAGCAGTACTGGG[T>C]GCATTGCAGGTCTCCATATGACCTGAGGGAGGCAAAGACACGTTCTAAAAGGCCACCTCT-3'
Protein context (NP_005668.2, residues 431-451): LPGSYGDLQC[Thr441Ala]QYCYIDSTPC